The following is an entry in ClinVar:

NM_000136.3(FANCC):c.1534A>G (p.Met512Val)

Genes: AOPEP (aminopeptidase O (putative); plus strand), FANCC (FA complementation group C; minus strand). Cytogenetic location: 9q22.32.
Variant type: single nucleotide variant.
Coding change: c.1534A>G on transcript NM_000136.3 (MANE Select); coding-DNA position 1534, A replaced by G.
Protein change: p.Met512Val; replaces methionine 512 with valine.
Molecular consequence: missense variant.
Genome position (GRCh38, 1-based): chr9:95,101,850, T>C on the plus strand (A>G on the coding strand, the complement: FANCC is on the minus strand). VCF-style: chr9-95101850-T-C. GRCh37 (hg19) VCF-style: chr9-97864132-T-C.
Other names: c.1534A>G, p.Met512Val (NM_001243743.2); short protein forms M512V.
Identifiers: ClinVar variation 1774685 (VCV001774685.2), dbSNP rs2540751299, ClinGen allele CA374104870.
Genomic context (GRCh38, chr9:95,101,850, plus strand): 5'-TGTACAAGGTCTGGTCAAGAAAGCCAATGATCTCGTGAGTTATCTCAGCAGTGTGAGCCA[T>C]CTGCAATCAGGACAGAAGAGAAGGCAAATTAAAACACTTTCCAGACAGATTTGTCCTTTG-3'
Protein context (NP_000127.2, residues 502-522): HTIAWDVITL[Met512Val]AHTAEITHEI

ClinVar aggregate classification (germline): Uncertain significance (1 of 4 stars; one submission).

Conditions:
Hereditary cancer-predisposing syndrome. Also called: Hereditary Cancer Syndrome; Hereditary neoplastic syndrome; Neoplastic Syndromes, Hereditary; Tumor predisposition. Identifiers: Orphanet 140162, MedGen C0027672, MeSH D009386, MONDO:0015356.

Allele frequency attached by ClinVar (database versions not stated): gnomAD exomes below 0.00001.
gnomAD v4.1: 1 of 1,613,928 alleles (0.000062%); highest among the groups gnomAD compares: Non-Finnish European, 0.000085%; no homozygotes.

Submission:

Ambry Genetics
Classification: Uncertain significance for Hereditary cancer-predisposing syndrome. Last evaluated: 2022-08-03. Review status: criteria provided, single submitter. Criteria: Ambry Variant Classification Scheme 2023. Collection method: clinical testing. Allele origin: germline.
Comment: The p.M512V variant (also known as c.1534A>G) is located in coding exon 14 of the FANCC gene. The methionine at codon 512 is replaced by valine, an amino acid with highly similar properties. This change occurs in the first base pair of coding exon 14. This amino acid position is conserved. In addition, this alteration is predicted to be tolerated by in silico analysis. Since supporting evidence is limited at this time, the clinical significance of this alteration remains unclear.